The following is an entry in ClinVar:

ClinVar aggregate classification (germline): Uncertain significance (1 of 4 stars; one submission).

Conditions:
Hereditary cancer-predisposing syndrome. Also called: Tumor predisposition; Hereditary neoplastic syndrome; Neoplastic Syndromes, Hereditary; Hereditary Cancer Syndrome. Identifiers: Orphanet 140162, MedGen C0027672, MeSH D009386, MONDO:0015356.

Submission:

Ambry Genetics
Classification: Uncertain significance for Hereditary cancer-predisposing syndrome. Last evaluated: 2025-06-06. Review status: criteria provided, single submitter. Criteria: Ambry Variant Classification Scheme 2023. Collection method: clinical testing. Allele origin: germline.
Comment: The c.31_32delTCinsAA variant, located in coding exon 1 of the FH gene, results from an in-frame deletion of TC and insertion of AA at nucleotide positions 31 to 32. This results in the substitution of the serine residue for a lysine residue at codon 11, an amino acid with dissimilar properties. This amino acid position is well conserved in available vertebrate species. In addition, this variant is predicted to be neutral by in silico analysis (Choi Y et al. PLoS ONE. 2012; 7(10):e46688). Based on the available evidence, the clinical significance of this variant remains unclear.

NM_000143.4(FH):c.31_32delinsAA (p.Ser11Lys)

Gene: FH (fumarate hydratase; minus strand). Cytogenetic location: 1q43.
Variant type: Indel.
Coding change: c.31_32delinsAA on transcript NM_000143.4 (MANE Select); coding-DNA positions 31 to 32, TC replaced by AA.
Protein change: p.Ser11Lys; replaces serine 11 with lysine.
Molecular consequence: missense variant.
Genome position (GRCh38, 1-based): chr1:241,519,691-241,519,692, GA replaced by TT on the plus strand (TC replaced by AA on the coding strand, the reverse complement: FH is on the minus strand). VCF-style: chr1-241519691-GA-TT. GRCh37 (hg19) VCF-style: chr1-241682991-GA-TT.
Other names: short protein forms S11K.
Identifiers: ClinVar variation 4024843 (VCV004024843.1).
Genomic context (GRCh38, chr1:241,519,691, plus strand): 5'-GCGCCACCCAAGCCGGGAGCCGAAGCTAAGGCTGCGGCTGGAGCCCGCACGAGGGGACGC[GA>TT]GCGCGCGAGGAGCCGAAGTGCTCGGTACATGGTGCTGAGGGAGCTTGGGTAGAATTTCTG-3'
Protein context (NP_000134.2, residues 1-21): MYRALRLLAR[Ser11Lys]RPLVRAPAAA